The following is an entry in ClinVar:

ClinVar aggregate classification (germline): Uncertain significance. Review status: criteria provided, multiple submitters, no conflicts (2 of 4 stars). 2 submissions from 2 submitters: Uncertain significance (2). Last evaluated 2024-08-07.

Conditions:
Cardiovascular phenotype. Identifiers: MedGen CN230736.

gnomAD v4.1: 4 of 1,614,162 alleles (0.00025%); highest among the groups gnomAD compares: Middle Eastern, 0.017%; no homozygotes.

Submissions (2):

Ambry Genetics
Classification: Uncertain significance for Cardiovascular phenotype. Last evaluated: 2024-08-07. Review status: criteria provided, single submitter. Criteria: Ambry Variant Classification Scheme 2023. Collection method: clinical testing. Allele origin: germline.
Comment: The p.T1973I variant (also known as c.5918C>T), located in coding exon 26 of the APOB gene, results from a C to T substitution at nucleotide position 5918. The threonine at codon 1973 is replaced by isoleucine, an amino acid with similar properties. This amino acid position is conserved. In addition, this alteration is predicted to be tolerated by in silico analysis. Based on the available evidence, the clinical significance of this variant remains unclear.

Blueprint Genetics
Classification: Uncertain significance. Last evaluated: 2023-11-10. Review status: criteria provided, single submitter. Criteria: ACMG Guidelines, 2015. Collection method: clinical testing. Allele origin: germline.

NM_000384.3(APOB):c.5918C>T (p.Thr1973Ile)

Gene: APOB (apolipoprotein B; minus strand). Cytogenetic location: 2p24.1.
Variant type: single nucleotide variant.
Coding change: c.5918C>T on transcript NM_000384.3 (MANE Select); coding-DNA position 5918, C replaced by T.
Protein change: p.Thr1973Ile; replaces threonine 1973 with isoleucine.
Molecular consequence: missense variant.
Genome position (GRCh38, 1-based): chr2:21,010,950, G>A on the plus strand (C>T on the coding strand, the complement: APOB is on the minus strand). VCF-style: chr2-21010950-G-A. GRCh37 (hg19) VCF-style: chr2-21233822-G-A.
Other names: short protein forms T1973I.
Identifiers: ClinVar variation 3415699 (VCV003415699.2).